The following is an entry in ClinVar:

NM_001378183.1(PIEZO2):c.4521T>G (p.Asp1507Glu)

Gene: PIEZO2 (piezo type mechanosensitive ion channel component 2; minus strand). Cytogenetic location: 18p11.22.
Variant type: single nucleotide variant.
Coding change: c.4521T>G on transcript NM_001378183.1 (MANE Select); coding-DNA position 4521, T replaced by G.
Protein change: p.Asp1507Glu; replaces aspartic acid 1507 with glutamic acid.
Molecular consequence: missense variant.
Genome position (GRCh38, 1-based): chr18:10,742,609, A>C on the plus strand (T>G on the coding strand, the complement: PIEZO2 is on the minus strand). VCF-style: chr18-10742609-A-C. GRCh37 (hg19) VCF-style: chr18-10742607-A-C.
Other names: c.4521T>G, p.Asp1507Glu (NM_001410871.1); c.4446T>G, p.Asp1482Glu (NM_022068.4); short protein forms D1482E, D1507E.
Identifiers: ClinVar variation 2500417 (VCV002500417.1), dbSNP rs2037268144, ClinGen allele CA401916826.

ClinVar aggregate classification (germline): Uncertain significance (1 of 4 stars; one submission).

Allele frequency attached by ClinVar (database versions not stated): TOPMed below 0.00001.

Submission:

GeneDx
Classification: Uncertain significance. Last evaluated: 2022-10-28. Review status: criteria provided, single submitter. Criteria: GeneDx Variant Classification Process June 2021. Collection method: clinical testing. Allele origin: germline. Affected: yes.
Comment: Not observed at significant frequency in large population cohorts (gnomAD); In silico analysis supports that this missense variant does not alter protein structure/function; Has not been previously published as pathogenic or benign to our knowledge